The following is an entry in ClinVar:

ClinVar aggregate classification (germline): Uncertain significance (1 of 4 stars; one submission).

Submission:

Labcorp Genetics (formerly Invitae), Labcorp
Classification: Uncertain significance. Last evaluated: 2024-11-19. Review status: criteria provided, single submitter. Criteria: Invitae Variant Classification Sherloc (09022015). Collection method: clinical testing. Allele origin: germline.
Comment: This sequence change replaces glutamic acid, which is acidic and polar, with glycine, which is neutral and non-polar, at codon 479 of the NIN protein (p.Glu479Gly). This variant is not present in population databases (gnomAD no frequency). This variant has not been reported in the literature in individuals affected with NIN-related conditions. An algorithm developed to predict the effect of missense changes on protein structure and function (PolyPhen-2) suggests that this variant is likely to be disruptive. In summary, the available evidence is currently insufficient to determine the role of this variant in disease. Therefore, it has been classified as a Variant of Uncertain Significance.

NM_020921.4(NIN):c.1436A>G (p.Glu479Gly)

Gene: NIN (ninein; minus strand). Cytogenetic location: 14q22.1.
Variant type: single nucleotide variant.
Coding change: c.1436A>G on transcript NM_020921.4 (MANE Select); coding-DNA position 1436, A replaced by G.
Protein change: p.Glu479Gly; replaces glutamic acid 479 with glycine.
Molecular consequence: missense variant.
Genome position (GRCh38, 1-based): chr14:50,766,889, T>C on the plus strand (A>G on the coding strand, the complement: NIN is on the minus strand). VCF-style: chr14-50766889-T-C. GRCh37 (hg19) VCF-style: chr14-51233607-T-C.
Other names: c.1436A>G, p.Glu479Gly (NM_016350.5, NM_182944.3, NM_182946.2); short protein forms E479G.
Identifiers: ClinVar variation 3697866 (VCV003697866.2).